The following is an entry in ClinVar:

NM_000392.5(ABCC2):c.455G>A (p.Arg152Gln)

Gene: ABCC2 (ATP binding cassette subfamily C member 2; plus strand). Cytogenetic location: 10q24.2.
Variant type: single nucleotide variant.
Coding change: c.455G>A on transcript NM_000392.5 (MANE Select); coding-DNA position 455, G replaced by A.
Protein change: p.Arg152Gln; replaces arginine 152 with glutamine.
Molecular consequence: missense variant.
Genome position (GRCh38, 1-based): chr10:99,793,672, G>A. VCF-style: chr10-99793672-G-A. GRCh37 (hg19) VCF-style: chr10-101553429-G-A.
Other names: c.455G>A (NM_000392.3); short protein forms R152Q.
Identifiers: ClinVar variation 3056742 (VCV003056742.3), dbSNP rs371113793, ClinGen allele CA5642884.

ClinVar aggregate classification (germline): Uncertain significance. Review status: criteria provided, single submitter (1 of 4 stars). 2 submissions from 2 submitters: Uncertain significance (1). 1 of the submissions does not count toward it. Last evaluated 2024-02-12.

Conditions:
Inborn genetic diseases. Identifiers: MedGen C0950123, MeSH D030342.
ABCC2-related disorder. Also called: ABCC2-related condition.

Allele frequency attached by ClinVar (database versions not stated): ExAC 0.00002; gnomAD 0.00003; ESP Exome Variant Server 0.00008.
gnomAD v4.1: 37 of 1,613,806 alleles (0.0023%); highest among the groups gnomAD compares: African/African-American, 0.0053%; no homozygotes.

Submissions (2):

Ambry Genetics
Classification: Uncertain significance for Inborn genetic diseases. Last evaluated: 2024-02-12. Review status: criteria provided, single submitter. Criteria: Ambry Variant Classification Scheme 2023. Collection method: clinical testing. Allele origin: germline.

PreventionGenetics, part of Exact Sciences
Classification: Uncertain significance for ABCC2-related condition. Last evaluated: 2024-02-22. Review status: no assertion criteria provided. Collection method: clinical testing. Allele origin: germline. Not counted in ClinVar's aggregate classification.
Comment: The ABCC2 c.455G>A variant is predicted to result in the amino acid substitution p.Arg152Gln. To our knowledge, this variant has not been reported in the literature. This variant is reported in 0.0080% of alleles in individuals of African descent in gnomAD. At this time, the clinical significance of this variant is uncertain due to the absence of conclusive functional and genetic evidence.